The following is an entry in ClinVar:

ClinVar aggregate classification (germline): Uncertain significance (1 of 4 stars; one submission).

gnomAD v4.1: 1 of 1,614,240 alleles (0.000062%); highest among the groups gnomAD compares: Non-Finnish European, 0.000085%; no homozygotes.

Submission:

Labcorp Genetics (formerly Invitae), Labcorp
Classification: Uncertain significance. Last evaluated: 2021-09-15. Review status: criteria provided, single submitter. Criteria: Invitae Variant Classification Sherloc (09022015). Collection method: clinical testing. Allele origin: germline.
Comment: This sequence change falls in intron 29 of the ABCA1 gene. It does not directly change the encoded amino acid sequence of the ABCA1 protein. It affects a nucleotide within the consensus splice site of the intron. This variant is not present in population databases (ExAC no frequency). This variant has not been reported in the literature in individuals affected with ABCA1-related conditions. Variants that disrupt the consensus splice site are a relatively common cause of aberrant splicing (PMID: 17576681, 9536098). Algorithms developed to predict the effect of sequence changes on RNA splicing suggest that this variant is not likely to affect RNA splicing. In summary, the available evidence is currently insufficient to determine the role of this variant in disease. Therefore, it has been classified as a Variant of Uncertain Significance.

Literature cited by the submitters: PubMed 17576681; PubMed 9536098.

NM_005502.4(ABCA1):c.4175+4T>A

Gene: ABCA1 (ATP binding cassette subfamily A member 1; minus strand). Cytogenetic location: 9q31.1.
Variant type: single nucleotide variant.
Coding change: c.4175+4T>A on transcript NM_005502.4 (MANE Select); 4 bases into the intron after coding-DNA position 4175, T replaced by A.
Molecular consequence: intron variant.
Genome position (GRCh38, 1-based): chr9:104,810,796, A>T on the plus strand (T>A on the coding strand, the complement: ABCA1 is on the minus strand). VCF-style: chr9-104810796-A-T. GRCh37 (hg19) VCF-style: chr9-107573077-A-T.
Identifiers: ClinVar variation 1515052 (VCV001515052.6), dbSNP rs753735723, ClinGen allele CA589836800.
Genomic context (GRCh38, chr9:104,810,796, plus strand): 5'-CCTCGTAAACATCTTTGGTCTGCTCGAATCTTACCCCCTCCTGGGATGTAGAAGACAAAC[A>T]TACCTGACAAATGTGTACTGTTCGTTGTACATCCAGGGCTGAAGTTCCAGGCTGGGGTAC-3'